The following is an entry in ClinVar:

ClinVar aggregate classification (germline): Pathogenic/Likely pathogenic. Review status: criteria provided, multiple submitters, no conflicts (2 of 4 stars). 8 submissions from 6 submitters: Pathogenic (3); Likely pathogenic (1). 4 of the submissions do not count toward it. Last evaluated 2026-08-19.

Conditions:
Portal hypertension, noncirrhotic, 1 (NCPH1). Identifiers: MedGen CN305369, MONDO:8000013, OMIM 617068.
DGUOK-related disorder. Also called: DGUOK-related condition.
Progressive external ophthalmoplegia with mitochondrial DNA deletions, autosomal recessive 4. Also called: Adult-onset multiple mitochondrial DNA deletion syndrome due to DGUOK deficiency; PROGRESSIVE EXTERNAL OPHTHALMOPLEGIA, AUTOSOMAL RECESSIVE 4. Identifiers: Orphanet 329314, MedGen C4310733, MONDO:0014899, OMIM 617070.
Portal hypertension, noncirrhotic. Identifiers: MedGen C4310735, MONDO:0024193.
Mitochondrial DNA depletion syndrome 3 (hepatocerebral type). Also called: Deoxyguanosine Kinase Deficiency; MITOCHONDRIAL DNA DEPLETION SYNDROME 3; Mitochondrial DNA depletion syndrome, hepatocerebral form due to DGUOK deficiency. Identifiers: Orphanet 279934, MedGen CN074093, MONDO:0009636, OMIM 251880.

Allele frequency attached by ClinVar (database versions not stated): TOPMed 0.00001; ExAC 0.00002; gnomAD exomes 0.00002; gnomAD 0.00003 and 0.00004.
gnomAD v4.1: 27 of 1,608,694 alleles (0.0017%); highest among the groups gnomAD compares: Non-Finnish European, 0.0022%; no homozygotes.

Submissions (8):

Molecular Genetics Laboratory, CHU Lille
Classification: Pathogenic for Portal hypertension, noncirrhotic, 1. Last evaluated: 2026-08-19. Review status: criteria provided, single submitter. Criteria: ACMG Guidelines, 2015. Collection method: clinical testing. Allele origin: germline. Affected: yes.
Comment: This missense change is found at a extrememly low frequency in population databases (heterozygous allele only). It has been identified in patients with various autosomal recessive mitochondrial disorders, demonstrates familial segregation with the disease, and is reported in ClinVar as pathogenic/likely pathogenic.

PreventionGenetics, part of Exact Sciences
Classification: Pathogenic for DGUOK-related condition. Last evaluated: 2026-05-31. Review status: criteria provided, single submitter. Criteria: ACMG Guidelines, 2015. Collection method: clinical testing. Allele origin: germline.
Comment: The DGUOK c.137A>G variant is predicted to result in the amino acid substitution p.Asn46Ser. This variant has been reported in both the compound heterozygous and homozygous states in multiple individuals with liver disease caused by mitochondrial DNA depletion syndrome (Sarzi et al. 2007. PubMed ID: 17452231; Mousson de Camaret et al. 2007. PubMed ID: 17073823; Vilarinho et al. 2016. PubMed ID: 26874653; Ronchi et al. 2012. PubMed ID: 23043144; Supplementary Table 1 in Manzoni et al. 2024. PubMed ID: 38756539). Functional studies of this variant showed a decreased catalytic rate of DGUOK but no change in its substrate binding activity (Mousson de Camaret et al. 2007. PubMed ID: 17073823). This variant is reported in 0.0055% of alleles in individuals of European (Non-Finnish) descent in gnomAD. Based on this evidence, we interpret this variant as pathogenic.

Labcorp Genetics (formerly Invitae), Labcorp
Classification: Pathogenic. Last evaluated: 2024-02-16. Review status: criteria provided, single submitter. Criteria: Invitae Variant Classification Sherloc (09022015). Collection method: clinical testing. Allele origin: germline.
Comment: This sequence change replaces asparagine, which is neutral and polar, with serine, which is neutral and polar, at codon 46 of the DGUOK protein (p.Asn46Ser). This variant is present in population databases (rs763615602, gnomAD 0.006%). This missense change has been observed in individuals with a spectrum of autosomal recessive mitochondrial disorders (PMID: 17073823, 17452231, 18205204, 23043144, 26874653). It has also been observed to segregate with disease in related individuals. ClinVar contains an entry for this variant (Variation ID: 253062). Advanced modeling of protein sequence and biophysical properties (such as structural, functional, and spatial information, amino acid conservation, physicochemical variation, residue mobility, and thermodynamic stability) has been performed at Invitae for this missense variant, however the output from this modeling did not meet the statistical confidence thresholds required to predict the impact of this variant on DGUOK protein function. For these reasons, this variant has been classified as Pathogenic.

GeneDx
Classification: Likely pathogenic. Last evaluated: 2023-11-21. Review status: criteria provided, single submitter. Criteria: GeneDx Variant Classification Process June 2021. Collection method: clinical testing. Allele origin: germline. Affected: yes.
Comment: Not observed at significant frequency in large population cohorts (gnomAD); In silico analysis supports that this missense variant has a deleterious effect on protein structure/function; This variant is associated with the following publications: (PMID: 18825706, 29137425, 17073823, 18205204, 23043144, 17452231, 26874653, 23968935, 34426522, 31589614, 30956829, 37718732, 35690264, 37830057, 32278775)

Yale Center for Mendelian Genomics, Yale University
Classification: Likely pathogenic for Portal hypertension, noncirrhotic, 1. Last evaluated: 2016-03-31. Review status: no assertion criteria provided. Collection method: literature only. Allele origin: germline. Affected: yes. Observed: 3 homozygotes. Not counted in ClinVar's aggregate classification.

OMIM
Classification: Pathogenic for MITOCHONDRIAL DNA DEPLETION SYNDROME 3. Last evaluated: 2007-03-01. Review status: no assertion criteria provided. Collection method: literature only. Allele origin: germline. Not counted in ClinVar's aggregate classification.

OMIM
Classification: Pathogenic for PROGRESSIVE EXTERNAL OPHTHALMOPLEGIA WITH MITOCHONDRIAL DNA DELETIONS, AUTOSOMAL RECESSIVE 4. Last evaluated: 2007-03-01. Review status: no assertion criteria provided. Collection method: literature only. Allele origin: germline. Not counted in ClinVar's aggregate classification.

OMIM
Classification: Pathogenic for PORTAL HYPERTENSION, NONCIRRHOTIC, 1. Last evaluated: 2007-03-01. Review status: no assertion criteria provided. Collection method: literature only. Allele origin: germline. Not counted in ClinVar's aggregate classification.

Literature cited by the submitters: PubMed 17073823 (cited by Labcorp Genetics (formerly Invitae), Labcorp and OMIM); PubMed 17452231 (cited by Labcorp Genetics (formerly Invitae), Labcorp and OMIM); PubMed 18205204 (cited by Labcorp Genetics (formerly Invitae), Labcorp); PubMed 23043144 (cited by Labcorp Genetics (formerly Invitae), Labcorp and OMIM); PubMed 26874653 (cited by 3 submitters); PubMed 11983456 (cited by OMIM).

NM_080916.3(DGUOK):c.137A>G (p.Asn46Ser)

Genes: DGUOK (deoxyguanosine kinase; plus strand), LOC129934096 (ATAC-STARR-seq lymphoblastoid active region 16036; plus strand). Cytogenetic location: 2p13.1.
Variant type: single nucleotide variant.
Coding change: c.137A>G on transcript NM_080916.3 (MANE Select); coding-DNA position 137, A replaced by G.
Protein change: p.Asn46Ser; replaces asparagine 46 with serine.
Molecular consequence: missense variant. On other transcripts: 5 prime UTR variant (4), non-coding transcript variant (6).
Genome position (GRCh38, 1-based): chr2:73,927,047, A>G. VCF-style: chr2-73927047-A-G. GRCh37 (hg19) VCF-style: chr2-74154174-A-G.
Other names: c.137A>G, p.Asn46Ser (NM_001318859.2, NM_080918.3); c.-42A>G (NM_001318860.2, NM_001318863.2); c.-128A>G (NM_001318861.2, NM_001318862.2); short protein forms N46S.
Identifiers: ClinVar variation 253062 (VCV000253062.17), dbSNP rs763615602, ClinGen allele CA1718151.